The following is an entry in ClinVar:

NM_000929.3(PLA2G5):c.105dup (p.Asn36fs)

Gene: PLA2G5 (phospholipase A2 group V; plus strand). Cytogenetic location: 1p36.13.
Variant type: Duplication.
Coding change: c.105dup on transcript NM_000929.3 (MANE Select); coding-DNA position 105, one base duplicated (G; older notation c.105dupG).
Protein change: p.Asn36fs; shifts the reading frame from asparagine 36.
Molecular consequence: frameshift variant.
Genome position (GRCh38, 1-based): chr1:20,086,147, G duplicated. VCF-style (leftmost placement, unchanged base first): chr1-20086146-A-AG. GRCh37 (hg19) VCF-style: chr1-20412639-A-AG.
Other names: short protein forms N36fs.
Identifiers: ClinVar variation 2006173 (VCV002006173.4), dbSNP rs2523540214, ClinGen allele CA2580061419.
Genomic context (GRCh38, chr1:20,086,146, plus strand): 5'-TGCCTGCTGTGCAAGGAGGCTTGCTGGACCTAAAATCAATGATCGAGAAGGTGACAGGGA[A>AG]GAACGCCCTGACAAACTACGGCTTCTACGGCTGTTACTGCGGCTGGGGCGGCCGAGGAAC-3'

ClinVar aggregate classification (germline): Uncertain significance (1 of 4 stars; one submission).

Submission:

Labcorp Genetics (formerly Invitae), Labcorp
Classification: Uncertain significance. Last evaluated: 2022-06-14. Review status: criteria provided, single submitter. Criteria: Invitae Variant Classification Sherloc (09022015). Collection method: clinical testing. Allele origin: germline.
Comment: This sequence change creates a premature translational stop signal (p.Asn36Glufs*33) in the PLA2G5 gene. It is expected to result in an absent or disrupted protein product. However, the current clinical and genetic evidence is not sufficient to establish whether loss-of-function variants in PLA2G5 cause disease. This variant is not present in population databases (gnomAD no frequency). This variant has not been reported in the literature in individuals affected with PLA2G5-related conditions. In summary, the available evidence is currently insufficient to determine the role of this variant in disease. Therefore, it has been classified as a Variant of Uncertain Significance.